The following is an entry in ClinVar:

NM_001330360.2(POLA1):c.3457C>G (p.Pro1153Ala)

Gene: POLA1 (DNA polymerase alpha 1, catalytic subunit; plus strand). Cytogenetic location: Xp22.11.
Variant type: single nucleotide variant.
Coding change: c.3457C>G on transcript NM_001330360.2 (MANE Select); coding-DNA position 3457, C replaced by G.
Protein change: p.Pro1153Ala; replaces proline 1153 with alanine.
Molecular consequence: missense variant. On other transcripts: non-coding transcript variant (2).
Genome position (GRCh38, 1-based): chrX:24,821,479, C>G. VCF-style: chrX-24821479-C-G. GRCh37 (hg19) VCF-style: chrX-24839596-C-G.
Other names: c.3382C>G, p.Pro1128Ala (NM_001378303.1); c.3439C>G, p.Pro1147Ala (NM_016937.4); short protein forms P1128A, P1153A, P1147A.
Identifiers: ClinVar variation 1495467 (VCV001495467.8), dbSNP rs775606583, ClinGen allele CA10373558.

ClinVar aggregate classification (germline): Uncertain significance (1 of 4 stars; one submission).

Allele frequency attached by ClinVar (database versions not stated): TOPMed 0.00001; ExAC 0.00004.
gnomAD v4.1: 11 of 1,204,469 alleles (0.00091%); highest among the groups gnomAD compares: Non-Finnish European, 0.0012%; no homozygotes.

Submission:

Labcorp Genetics (formerly Invitae), Labcorp
Classification: Uncertain significance. Last evaluated: 2025-06-29. Review status: criteria provided, single submitter. Criteria: Invitae Variant Classification Sherloc (09022015). Collection method: clinical testing. Allele origin: germline.
Comment: This sequence change replaces proline, which is neutral and non-polar, with alanine, which is neutral and non-polar, at codon 1147 of the POLA1 protein (p.Pro1147Ala). This variant is present in population databases (rs775606583, gnomAD 0.004%), including at least one homozygous and/or hemizygous individual. This variant has not been reported in the literature in individuals affected with POLA1-related conditions. ClinVar contains an entry for this variant (Variation ID: 1495467). Invitae Evidence Modeling of protein sequence and biophysical properties (such as structural, functional, and spatial information, amino acid conservation, physicochemical variation, residue mobility, and thermodynamic stability) indicates that this missense variant is not expected to disrupt POLA1 protein function with a negative predictive value of 80%. In summary, the available evidence is currently insufficient to determine the role of this variant in disease. Therefore, it has been classified as a Variant of Uncertain Significance.